The following is an entry in ClinVar:

ClinVar aggregate classification (germline): Uncertain significance. Review status: criteria provided, multiple submitters, no conflicts (2 of 4 stars). 3 submissions from 3 submitters: Uncertain significance (3). Last evaluated 2026-03-11.

Conditions:
Hypertrophic cardiomyopathy. Also called: HYPERTROPHIC MYOCARDIOPATHY. Identifiers: Orphanet 217569, MedGen C0007194, MeSH D002312, MONDO:0005045, HP:0001639.
Cardiovascular phenotype. Identifiers: MedGen CN230736.

Allele frequency attached by ClinVar (database versions not stated): TOPMed 0.00001.

Submissions (3):

GeneDx
Classification: Uncertain significance. Last evaluated: 2026-03-11. Review status: criteria provided, single submitter. Criteria: GeneDx Variant Classification Process June 2021. Collection method: clinical testing. Allele origin: germline.
Comment: Not observed at significant frequency in large population cohorts (gnomAD); In silico analysis supports that this missense variant has a deleterious effect on protein structure/function; Has not been previously published as pathogenic or benign to our knowledge

Labcorp Genetics (formerly Invitae), Labcorp
Classification: Uncertain significance for Hypertrophic cardiomyopathy. Last evaluated: 2025-12-10. Review status: criteria provided, single submitter. Criteria: Invitae Variant Classification Sherloc (09022015). Collection method: clinical testing. Allele origin: germline.
Comment: This sequence change replaces phenylalanine, which is neutral and non-polar, with leucine, which is neutral and non-polar, at codon 1230 of the MYBPC3 protein (p.Phe1230Leu). This variant is not present in population databases (gnomAD no frequency). This variant has not been reported in the literature in individuals affected with MYBPC3-related conditions. ClinVar contains an entry for this variant (Variation ID: 1014512). An algorithm developed to predict the effect of missense changes on protein structure and function (PolyPhen-2) suggests that this variant is likely to be tolerated. In summary, the available evidence is currently insufficient to determine the role of this variant in disease. Therefore, it has been classified as a Variant of Uncertain Significance.

Ambry Genetics
Classification: Uncertain significance for Cardiovascular phenotype. Last evaluated: 2024-01-03. Review status: criteria provided, single submitter. Criteria: Ambry Variant Classification Scheme 2023. Collection method: clinical testing. Allele origin: germline.
Comment: The p.F1230L variant (also known as c.3688T>C), located in coding exon 33 of the MYBPC3 gene, results from a T to C substitution at nucleotide position 3688. The phenylalanine at codon 1230 is replaced by leucine, an amino acid with highly similar properties. This amino acid position is conserved. In addition, this alteration is predicted to be tolerated by in silico analysis. Since supporting evidence is limited at this time, the clinical significance of this alteration remains unclear.

NM_000256.3(MYBPC3):c.3688T>C (p.Phe1230Leu)

Gene: MYBPC3 (myosin binding protein C3; minus strand). Cytogenetic location: 11p11.2.
Variant type: single nucleotide variant.
Coding change: c.3688T>C on transcript NM_000256.3 (MANE Select); coding-DNA position 3688, T replaced by C.
Protein change: p.Phe1230Leu; replaces phenylalanine 1230 with leucine.
Molecular consequence: missense variant.
Genome position (GRCh38, 1-based): chr11:47,332,198, A>G on the plus strand (T>C on the coding strand, the complement: MYBPC3 is on the minus strand). VCF-style: chr11-47332198-A-G. GRCh37 (hg19) VCF-style: chr11-47353749-A-G.
Other names: short protein forms F1230L.
Identifiers: ClinVar variation 1014512 (VCV001014512.10), dbSNP rs1198431305, ClinGen allele CA380311430.